The following is an entry in ClinVar:

NM_005591.4(MRE11):c.118C>T (p.Leu40Phe)

Gene: MRE11 (MRE11 double strand break repair nuclease; minus strand). Cytogenetic location: 11q21.
Variant type: single nucleotide variant.
Coding change: c.118C>T on transcript NM_005591.4 (MANE Select); coding-DNA position 118, C replaced by T.
Protein change: p.Leu40Phe; replaces leucine 40 with phenylalanine.
Molecular consequence: missense variant.
Genome position (GRCh38, 1-based): chr11:94,490,868, G>A on the plus strand (C>T on the coding strand, the complement: MRE11 is on the minus strand). VCF-style: chr11-94490868-G-A. GRCh37 (hg19) VCF-style: chr11-94224034-G-A.
Other names: c.118C>T, p.Leu40Phe (NM_001330347.2, NM_005590.4); c.118C>T (NM_005591.3); short protein forms L40F.
Identifiers: ClinVar variation 1027169 (VCV001027169.10), dbSNP rs1947265336, ClinGen allele CA382380697.

ClinVar aggregate classification (germline): Conflicting classifications of pathogenicity. Review status: criteria provided, conflicting classifications (1 of 4 stars). 2 submissions from 2 submitters: Uncertain significance (1); Likely benign (1). Last evaluated 2023-03-19.

Conditions:
Ataxia-telangiectasia-like disorder (ATLD). Identifiers: MedGen C1858391, MONDO:0011457.
Hereditary cancer-predisposing syndrome. Also called: Neoplastic Syndromes, Hereditary; Tumor predisposition; Hereditary Cancer Syndrome; Hereditary neoplastic syndrome. Identifiers: Orphanet 140162, MedGen C0027672, MeSH D009386, MONDO:0015356.

Allele frequency attached by ClinVar (database versions not stated): gnomAD exomes below 0.00001.
gnomAD v4.1: 1 of 1,613,468 alleles (0.000062%); highest among the groups gnomAD compares: Non-Finnish European, 0.000085%; no homozygotes.

Submissions (2):

Ambry Genetics
Classification: Likely benign for Hereditary cancer-predisposing syndrome. Last evaluated: 2023-03-19. Review status: criteria provided, single submitter. Criteria: Ambry Variant Classification Scheme 2023. Collection method: clinical testing. Allele origin: germline.

Labcorp Genetics (formerly Invitae), Labcorp
Classification: Uncertain significance for Ataxia-telangiectasia-like disorder. Last evaluated: 2022-03-29. Review status: criteria provided, single submitter. Criteria: Invitae Variant Classification Sherloc (09022015). Collection method: clinical testing. Allele origin: germline.
Comment: In summary, the available evidence is currently insufficient to determine the role of this variant in disease. Therefore, it has been classified as a Variant of Uncertain Significance. Algorithms developed to predict the effect of missense changes on protein structure and function output the following: SIFT: "Tolerated"; PolyPhen-2: "Benign"; Align-GVGD: "Class C0". The phenylalanine amino acid residue is found in multiple mammalian species, which suggests that this missense change does not adversely affect protein function. ClinVar contains an entry for this variant (Variation ID: 1027169). This variant has not been reported in the literature in individuals affected with MRE11-related conditions. This variant is not present in population databases (gnomAD no frequency). This sequence change replaces leucine, which is neutral and non-polar, with phenylalanine, which is neutral and non-polar, at codon 40 of the MRE11 protein (p.Leu40Phe).